The following is an entry in ClinVar:

ClinVar aggregate classification (germline): Pathogenic. Review status: criteria provided, multiple submitters, no conflicts (2 of 4 stars). 2 submissions from 2 submitters: Pathogenic (2). Last evaluated 2024-06-20.

Submissions (2):

GeneDx
Classification: Pathogenic. Last evaluated: 2024-06-20. Review status: criteria provided, single submitter. Criteria: GeneDx Variant Classification Process June 2021. Collection method: clinical testing. Allele origin: germline. Affected: yes.
Comment: Nonsense variant predicted to result in protein truncation or nonsense mediated decay in a gene for which loss of function is a known mechanism of disease; Not observed at significant frequency in large population cohorts (gnomAD); This variant is associated with the following publications: (PMID: 30293248, 36454652)

Labcorp Genetics (formerly Invitae), Labcorp
Classification: Pathogenic. Last evaluated: 2018-06-06. Review status: criteria provided, single submitter. Criteria: Invitae Variant Classification Sherloc (09022015). Collection method: clinical testing. Allele origin: germline.
Comment: This sequence change creates a premature translational stop signal (p.Cys557*) in the CTCF gene. It is expected to result in an absent or disrupted protein product. This variant is not present in population databases (ExAC no frequency). This variant has not been reported in the literature in individuals with CTCF-related disease. ClinVar contains an entry for this variant (Variation ID: 280753). Loss-of-function variants in CTCF are known to be pathogenic (PMID: 23746550, 28619046). For these reasons, this variant has been classified as Pathogenic.

Literature cited by the submitters: PubMed 23746550 (cited by Labcorp Genetics (formerly Invitae), Labcorp); PubMed 28619046 (cited by Labcorp Genetics (formerly Invitae), Labcorp).

NM_006565.4(CTCF):c.1670_1674del (p.Val556_Cys557insTer)

Gene: CTCF (CCCTC-binding factor; plus strand). Cytogenetic location: 16q22.1.
Variant type: Deletion.
Coding change: c.1670_1674del on transcript NM_006565.4 (MANE Select); coding-DNA positions 1670 to 1674, 5 bases deleted (GTTCT; older notation c.1670_1674delGTTCT).
Protein change: p.Val556_Cys557insTer.
Molecular consequence: nonsense. On other transcripts: frameshift variant (1).
Genome position (GRCh38, 1-based): chr16:67,628,521-67,628,525, GTTCT deleted; deleting any 5 consecutive bases within chr16:67,628,518-67,628,525 gives the same sequence; the c. name uses the placement nearest the transcript's 3' end. VCF-style (leftmost placement, unchanged base first): chr16-67628517-GTCTGT-G. GRCh37 (hg19) VCF-style: chr16-67662420-GTCTGT-G.
Other names: c.1670_1674delGTTCT (NM_006565.3); c.686_690del, p.Val228_Cys229insTer (NM_001191022.2); c.1670_1674delGTTCT, p.Cys557Terfs (NM_001363916.2).
Identifiers: ClinVar variation 280753 (VCV000280753.9), dbSNP rs886041901, ClinGen allele CA10603544.